The following is an entry in ClinVar:

ClinVar aggregate classification (germline): Likely pathogenic (1 of 4 stars; one submission).

Conditions:
Tyrosinemia type II (TYRSN2). Also called: KERATOSIS PALMOPLANTARIS WITH CORNEAL DYSTROPHY; OREGON TYPE TYROSINEMIA; TAT DEFICIENCY; TYROSINE AMINOTRANSFERASE DEFICIENCY; TYROSINE TRANSAMINASE DEFICIENCY. Identifiers: Orphanet 28378, MedGen C0268487, MONDO:0010160, OMIM 276600.

Submission:

Myriad Genetics, Inc.
Classification: Likely pathogenic for Tyrosinemia type II. Last evaluated: 2022-02-12. Review status: criteria provided, single submitter. Criteria: Myriad Women's Health Autosomal Recessive and X-Linked Classification Criteria (2021). Collection method: clinical testing. Allele origin: unknown.
Comment: NM_000353.2(TAT):c.18_19delTC(Q7Dfs*85) is expected to be pathogenic in the context of tyrosinemia type II. This variant is predicted to lead to an abnormal or absent protein product due to the creation of a premature termination codon in TAT, a gene where loss-of-function variants are known to be pathogenic. Please note: this variant was assessed in the context of healthy population screening.

NM_000353.3(TAT):c.18_19del (p.Gln7fs)

Gene: TAT (tyrosine aminotransferase; minus strand). Cytogenetic location: 16q22.2.
Variant type: Deletion.
Coding change: c.18_19del on transcript NM_000353.3 (MANE Select); coding-DNA positions 18 to 19, 2 bases deleted (TC; older notation c.18_19delTC).
Protein change: p.Gln7fs; shifts the reading frame from glutamine 7.
Molecular consequence: frameshift variant.
Genome position (GRCh38, 1-based): chr16:71,576,397-71,576,398, GA deleted on the plus strand (TC on the coding strand, the reverse complement: TAT is on the minus strand). VCF-style (leftmost placement, unchanged base first): chr16-71576396-TGA-T. GRCh37 (hg19) VCF-style: chr16-71610299-TGA-T.
Other names: short protein forms Q7fs.
Identifiers: ClinVar variation 1724403 (VCV001724403.2), dbSNP rs2507673070, ClinGen allele CA2580091964.